The following is an entry in ClinVar:

ClinVar aggregate classification (germline): Likely benign (0 of 4 stars; one submission).

Conditions:
KRT74-related disorder. Also called: KRT74-related condition.

Allele frequency attached by ClinVar (database versions not stated): ExAC 0.00002; gnomAD exomes 0.00002; TOPMed 0.00002; gnomAD 0.00003; 1000 Genomes Project 30x 0.00047; 1000 Genomes Project 0.00060.
gnomAD v4.1: 41 of 1,598,746 alleles (0.0026%); highest among the groups gnomAD compares: Middle Eastern, 0.37%; 2 homozygotes.

Submission:

PreventionGenetics, part of Exact Sciences
Classification: Likely benign for KRT74-related condition. Last evaluated: 2024-02-07. Review status: no assertion criteria provided. Collection method: clinical testing. Allele origin: germline.
Comment: This variant is classified as likely benign based on ACMG/AMP sequence variant interpretation guidelines (Richards et al. 2015 PMID: 25741868, with internal and published modifications).

NM_175053.4(KRT74):c.1470C>T (p.Gly490=)

Gene: KRT74 (keratin 74; minus strand). Cytogenetic location: 12q13.13.
Variant type: single nucleotide variant.
Coding change: c.1470C>T on transcript NM_175053.4 (MANE Select); coding-DNA position 1470, C replaced by T.
Protein change: p.Gly490=; no amino-acid change (glycine 490 retained).
Molecular consequence: synonymous variant.
Genome position (GRCh38, 1-based): chr12:52,567,089, G>A on the plus strand (C>T on the coding strand, the complement: KRT74 is on the minus strand). VCF-style: chr12-52567089-G-A. GRCh37 (hg19) VCF-style: chr12-52960873-G-A.
Identifiers: ClinVar variation 3046321 (VCV003046321.2), dbSNP rs201094419, ClinGen allele CA6583632.